The following is an entry in ClinVar:

NM_005120.3(MED12):c.4048A>G (p.Asn1350Asp)

Gene: MED12 (mediator complex subunit 12; plus strand). Cytogenetic location: Xq13.1.
Variant type: single nucleotide variant.
Coding change: c.4048A>G on transcript NM_005120.3 (MANE Select); coding-DNA position 4048, A replaced by G.
Protein change: p.Asn1350Asp; replaces asparagine 1350 with aspartic acid.
Molecular consequence: missense variant.
Genome position (GRCh38, 1-based): chrX:71,131,550, A>G. VCF-style: chrX-71131550-A-G. GRCh37 (hg19) VCF-style: chrX-70351400-A-G.
Other names: short protein forms N1350D.
Identifiers: ClinVar variation 2710291 (VCV002710291.3), dbSNP rs2519698035, ClinGen allele CA413524679.

ClinVar aggregate classification (germline): Uncertain significance (1 of 4 stars; one submission).

Conditions:
FG syndrome (FGS). Identifiers: MedGen C0220769, MONDO:0002010.

Submission:

Labcorp Genetics (formerly Invitae), Labcorp
Classification: Uncertain significance for FG syndrome. Last evaluated: 2024-01-19. Review status: criteria provided, single submitter. Criteria: Invitae Variant Classification Sherloc (09022015). Collection method: clinical testing. Allele origin: germline.
Comment: This sequence change replaces asparagine, which is neutral and polar, with aspartic acid, which is acidic and polar, at codon 1350 of the MED12 protein (p.Asn1350Asp). This variant is not present in population databases (gnomAD no frequency). This variant has not been reported in the literature in individuals affected with MED12-related conditions. An algorithm developed to predict the effect of missense changes on protein structure and function (PolyPhen-2) suggests that this variant is likely to be disruptive. In summary, the available evidence is currently insufficient to determine the role of this variant in disease. Therefore, it has been classified as a Variant of Uncertain Significance.